The following is an entry in ClinVar:

NM_194248.3(OTOF):c.1804-2A>G

Gene: OTOF (otoferlin; minus strand). Cytogenetic location: 2p23.3.
Variant type: single nucleotide variant.
Coding change: c.1804-2A>G on transcript NM_194248.3 (MANE Select); the canonical splice acceptor site of the intron before coding-DNA position 1804, A replaced by G.
Molecular consequence: splice acceptor variant.
Genome position (GRCh38, 1-based): chr2:26,480,313, T>C on the plus strand (A>G on the coding strand, the complement: OTOF is on the minus strand). VCF-style: chr2-26480313-T-C. GRCh37 (hg19) VCF-style: chr2-26703181-T-C.
Other names: c.1804-2A>G (NM_001287489.2).
Identifiers: ClinVar variation 1185068 (VCV001185068.3), dbSNP rs2148056311, ClinGen allele CA346132436.

ClinVar aggregate classification (germline): Likely pathogenic. Review status: criteria provided, single submitter (1 of 4 stars). 2 submissions from 2 submitters: Likely pathogenic (1). 1 of the submissions does not count toward it.

Conditions:
Autosomal recessive nonsyndromic hearing loss 9. Also called: Deafness, autosomal recessive 9; OTOF-Related Hearing Loss; AUDITORY NEUROPATHY, AUTOSOMAL RECESSIVE, 1, TEMPERATURE-SENSITIVE; NEUROSENSORY NONSYNDROMIC RECESSIVE DEAFNESS 9. Identifiers: Orphanet 90636, MedGen C1832828, MONDO:0010986, OMIM 601071.

Submissions (2):

Juno Genomics, Hangzhou Juno Genomics, Inc
Classification: Likely pathogenic for Autosomal recessive nonsyndromic hearing loss 9. Review status: criteria provided, single submitter. Criteria: ACMG Guidelines, 2015. Collection method: clinical testing. Allele origin: germline.
Comment: Null variant in a gene where loss of function (LOF) is a known mechanism of disease.;Absent from controls (or at extremely low frequency if recessive) in Genome Aggregation Database.

WangQJ Lab, Chinese People's Liberation Army General Hospital
Classification: Likely pathogenic for Autosomal recessive nonsyndromic hearing loss 9. Last evaluated: 2021-07-01. Review status: no assertion criteria provided. Collection method: clinical testing. Allele origin: paternal. Affected: yes. Not counted in ClinVar's aggregate classification.